The following is an entry in ClinVar:

ClinVar aggregate classification (germline): Uncertain significance (1 of 4 stars; one submission).

gnomAD v4.1: 1 of 1,614,082 alleles (0.000062%); highest among the groups gnomAD compares: African/African-American, 0.0013%; no homozygotes.

Submission:

Labcorp Genetics (formerly Invitae), Labcorp
Classification: Uncertain significance. Last evaluated: 2025-07-25. Review status: criteria provided, single submitter. Criteria: Invitae Variant Classification Sherloc (09022015). Collection method: clinical testing. Allele origin: germline.
Comment: This sequence change replaces tyrosine, which is neutral and polar, with cysteine, which is neutral and slightly polar, at codon 689 of the MTTP protein (p.Tyr689Cys). This variant is not present in population databases (gnomAD no frequency). This variant has not been reported in the literature in individuals affected with MTTP-related conditions. Invitae Evidence Modeling of protein sequence and biophysical properties (such as structural, functional, and spatial information, amino acid conservation, physicochemical variation, residue mobility, and thermodynamic stability) indicates that this missense variant is not expected to disrupt MTTP protein function with a negative predictive value of 80%. In summary, the available evidence is currently insufficient to determine the role of this variant in disease. Therefore, it has been classified as a Variant of Uncertain Significance.

NM_001386140.1(MTTP):c.2066A>G (p.Tyr689Cys)

Gene: MTTP (microsomal triglyceride transfer protein; plus strand). Cytogenetic location: 4q23.
Variant type: single nucleotide variant.
Coding change: c.2066A>G on transcript NM_001386140.1 (MANE Select); coding-DNA position 2066, A replaced by G.
Protein change: p.Tyr689Cys; replaces tyrosine 689 with cysteine.
Molecular consequence: missense variant.
Genome position (GRCh38, 1-based): chr4:99,612,989, A>G. VCF-style: chr4-99612989-A-G. GRCh37 (hg19) VCF-style: chr4-100534146-A-G.
Other names: c.2066A>G, p.Tyr689Cys (NM_000253.4); c.1817A>G, p.Tyr606Cys (NM_001300785.2); short protein forms Y606C, Y689C.
Identifiers: ClinVar variation 4748279 (VCV004748279.1).